The following is an entry in ClinVar:

NM_005896.4(IDH1):c.409G>A (p.Asp137Asn)

Gene: IDH1 (isocitrate dehydrogenase (NADP(+)) 1; minus strand). Cytogenetic location: 2q34.
Variant type: single nucleotide variant.
Coding change: c.409G>A on transcript NM_005896.4 (MANE Select); coding-DNA position 409, G replaced by A.
Protein change: p.Asp137Asn; replaces aspartic acid 137 with asparagine.
Molecular consequence: missense variant.
Genome position (GRCh38, 1-based): chr2:208,248,374, C>T on the plus strand (G>A on the coding strand, the complement: IDH1 is on the minus strand). VCF-style: chr2-208248374-C-T. GRCh37 (hg19) VCF-style: chr2-209113098-C-T.
Other names: c.409G>A, p.Asp137Asn (NM_001282386.1, NM_001282387.1); short protein forms D137N.
Identifiers: ClinVar variation 1737817 (VCV001737817.3), dbSNP rs765230533, ClinGen allele CA2079032.

ClinVar aggregate classification (germline): Uncertain significance (1 of 4 stars; one submission).

Allele frequency attached by ClinVar (database versions not stated): gnomAD 0.00001; gnomAD exomes 0.00002; ExAC 0.00005.
gnomAD v4.1: 26 of 1,612,442 alleles (0.0016%); highest among the groups gnomAD compares: South Asian, 0.019%; no homozygotes.

Submission:

Ambry Genetics
Classification: Uncertain significance. Last evaluated: 2023-09-05. Review status: criteria provided, single submitter. Criteria: Ambry Variant Classification Scheme 2023. Collection method: clinical testing. Allele origin: germline.
Comment: The p.D137N variant (also known as c.409G>A), located in coding exon 2 of the IDH1 gene, results from a G to A substitution at nucleotide position 409. The aspartic acid at codon 137 is replaced by asparagine, an amino acid with highly similar properties. This amino acid position is conserved. In addition, the in silico prediction for this alteration is inconclusive. Since supporting evidence is limited at this time, the clinical significance of this alteration remains unclear.